The following is an entry in ClinVar:

NM_001365951.3(KIF1B):c.2612A>G (p.Glu871Gly)

Gene: KIF1B (kinesin family member 1B; plus strand). Cytogenetic location: 1p36.22.
Variant type: single nucleotide variant.
Coding change: c.2612A>G on transcript NM_001365951.3 (MANE Select); coding-DNA position 2612, A replaced by G.
Protein change: p.Glu871Gly; replaces glutamic acid 871 with glycine.
Molecular consequence: missense variant.
Genome position (GRCh38, 1-based): chr1:10,324,832, A>G. VCF-style: chr1-10324832-A-G. GRCh37 (hg19) VCF-style: chr1-10384890-A-G.
Other names: c.2612A>G, p.Glu871Gly (NM_001365952.1); c.2474A>G, p.Glu825Gly (NM_015074.3); short protein forms E825G, E871G.
Identifiers: ClinVar variation 3026431 (VCV003026431.22), dbSNP rs2521630284, ClinGen allele CA338335688.

ClinVar aggregate classification (germline): Uncertain significance (1 of 4 stars; one submission).

Submission:

CeGaT Center for Human Genetics Tuebingen
Classification: Uncertain significance. Last evaluated: 2023-12-01. Review status: criteria provided, single submitter. Criteria: CeGaT Center For Human Genetics Tuebingen Variant Classification Criteria Version 2. Collection method: clinical testing. Allele origin: germline. Affected: yes. Observed: 1 variant allele.
Comment: KIF1B: PS2, PM2, BP4